The following is an entry in ClinVar:

NC_000001.10:g.(?_33502317)_(33502429_?)dup

Gene: AK2 (adenylate kinase 2; minus strand). Cytogenetic location: 1p35.1.
Variant type: Duplication.
Identifiers: ClinVar variation 1443169 (VCV001443169.4).

ClinVar aggregate classification (germline): Uncertain significance (1 of 4 stars; one submission).

Conditions:
Reticular dysgenesis. Also called: ALEUKOCYTOSIS; CONGENITAL ALEUKIA; HEMATOPOIETIC HYPOPLASIA, GENERALIZED; RETICULAR DYSGENESIA; SEVERE COMBINED IMMUNODEFICIENCY WITH LEUKOPENIA; DeVaal disease. Identifiers: Orphanet 33355, MedGen C0272167, MONDO:0009973, OMIM 267500.

Submission:

Labcorp Genetics (formerly Invitae), Labcorp
Classification: Uncertain significance for Reticular dysgenesis. Last evaluated: 2022-08-23. Review status: criteria provided, single submitter. Criteria: Invitae Variant Classification Sherloc (09022015). Collection method: clinical testing. Allele origin: germline.
Comment: This variant results in a copy number gain of the genomic region encompassing exon(s) 1 of the AK2 gene. This region includes the initiator codon of the gene. This copy number gain extends beyond the assayed region for this gene and therefore may encompass additional genes. As the precise location of this event is unknown, it may be in tandem or it may be located elsewhere in the genome. This variant has not been reported in the literature in individuals affected with AK2-related conditions. In summary, the available evidence is currently insufficient to determine the role of this variant in disease. Therefore, it has been classified as a Variant of Uncertain Significance.